The following is an entry in ClinVar:

NM_001354604.2(MITF):c.1310A>T (p.Gln437Leu)

Gene: MITF (melanocyte inducing transcription factor; plus strand). Cytogenetic location: 3p13.
Variant type: single nucleotide variant.
Coding change: c.1310A>T on transcript NM_001354604.2 (MANE Select); coding-DNA position 1310, A replaced by T.
Protein change: p.Gln437Leu; replaces glutamine 437 with leucine.
Molecular consequence: missense variant.
Genome position (GRCh38, 1-based): chr3:69,964,977, A>T. VCF-style: chr3-69964977-A-T. GRCh37 (hg19) VCF-style: chr3-70014128-A-T.
Other names: c.989A>T, p.Gln330Leu (NM_000248.4); c.1136A>T, p.Gln379Leu (NM_001184967.2, NM_001354608.2); c.1307A>T, p.Gln436Leu (NM_001354605.2); c.1289A>T, p.Gln430Leu (NM_001354606.2, NM_006722.3); c.1241A>T, p.Gln414Leu (NM_001354607.2); c.971A>T, p.Gln324Leu (NM_198158.3); c.1292A>T, p.Gln431Leu (NM_198159.3); c.1244A>T, p.Gln415Leu (NM_198177.3); and 1 more; short protein forms Q268L, Q324L, Q330L, Q379L, Q414L, Q415L, Q430L, Q431L.
Identifiers: ClinVar variation 4860071 (VCV004860071.1).

ClinVar aggregate classification (germline): Uncertain significance (1 of 4 stars; one submission).

Conditions:
Hereditary cancer-predisposing syndrome. Also called: Neoplastic Syndromes, Hereditary; Tumor predisposition; Hereditary Cancer Syndrome; Hereditary neoplastic syndrome. Identifiers: Orphanet 140162, MedGen C0027672, MeSH D009386, MONDO:0015356.

gnomAD v4.1: 5 of 1,614,148 alleles (0.00031%); highest among the groups gnomAD compares: East Asian, 0.0045%; no homozygotes.

Submission:

Ambry Genetics
Classification: Uncertain significance for Hereditary cancer-predisposing syndrome. Last evaluated: 2026-05-14. Review status: criteria provided, single submitter. Criteria: Ambry Variant Classification Scheme 2023. Collection method: clinical testing. Allele origin: germline.
Comment: The p.Q330L variant (also known as c.989A>T), located in coding exon 9 of the MITF gene, results from an A to T substitution at nucleotide position 989. The glutamine at codon 330 is replaced by leucine, an amino acid with dissimilar properties. This amino acid position is conserved. In addition, this alteration is predicted to be tolerated by in silico analysis. Based on the available evidence, the clinical significance of this variant remains unclear.